The following is an entry in ClinVar:

NM_000312.4(PROC):c.1216A>G (p.Met406Val)

Gene: PROC (protein C, inactivator of coagulation factors Va and VIIIa; plus strand). Cytogenetic location: 2q14.3.
Variant type: single nucleotide variant.
Coding change: c.1216A>G on transcript NM_000312.4 (MANE Select); coding-DNA position 1216, A replaced by G.
Protein change: p.Met406Val; replaces methionine 406 with valine.
Molecular consequence: missense variant.
Genome position (GRCh38, 1-based): chr2:127,428,776, A>G. VCF-style: chr2-127428776-A-G. GRCh37 (hg19) VCF-style: chr2-128186352-A-G.
Other names: c.1399A>G, p.Met467Val (NM_001375602.1); c.1381A>G, p.Met461Val (NM_001375603.1); c.1279A>G, p.Met427Val (NM_001375604.1); c.1318A>G, p.Met440Val (NM_001375605.1); c.1384A>G, p.Met462Val (NM_001375606.1); c.1402A>G, p.Met468Val (NM_001375607.1); c.1159A>G, p.Met387Val (NM_001375608.1); c.1192A>G, p.Met398Val (NM_001375609.1); and 2 more; short protein forms M406V, M387V, M398V, M404V, M427V, M440V, M461V, M462V.
Identifiers: ClinVar variation 546154 (VCV000546154.44), dbSNP rs1553425459, ClinGen allele CA348406293.

ClinVar aggregate classification (germline): Likely pathogenic. Review status: criteria provided, multiple submitters, no conflicts (2 of 4 stars). 2 submissions from 2 submitters: Likely pathogenic (2). Last evaluated 2025-11-01.

Submissions (2):

CeGaT Center for Human Genetics Tuebingen
Classification: Likely pathogenic. Last evaluated: 2025-11-01. Review status: criteria provided, single submitter. Criteria: CeGaT Center For Human Genetics Tuebingen Variant Classification Criteria Version 2. Collection method: clinical testing. Allele origin: germline. Affected: yes. Observed: 3 variant alleles.
Comment: PROC: PM1, PM2, PM5, PP4, PS4:Supporting

GeneDx
Classification: Likely pathogenic. Last evaluated: 2018-05-15. Review status: criteria provided, single submitter. Criteria: GeneDx Variant Classification (06012015). Collection method: clinical testing. Allele origin: germline. Affected: yes.
Comment: The M406V variant in the PROC gene has not been reported previously as a pathogenic variant, nor as a benign variant, to our knowledge. However, a missense variant at this same codon (M406I) as well as missense variants in neighboring codons (D401N, G403R, G404E, P405A, V407A, F410S) have been reported in the Human Gene Mutation Database in association with protein C deficiency (Kim et al., 2014; Inoue et al., 2017; Stenson et al., 2014). The M406V variant is not observed in large population cohorts (Lek et al., 2016). The M406V variant is a conservative amino acid substitution, which is not likely to impact secondary protein structure as these residues share similar properties. In-silico analyses, including protein predictors and evolutionary conservation, support a deleterious effect. We interpret M406V as a likely pathogenic variant.